The following is an entry in ClinVar:

NM_000260.4(MYO7A):c.3285+1G>A

Gene: MYO7A (myosin VIIA; plus strand). Cytogenetic location: 11q13.5.
Variant type: single nucleotide variant.
Coding change: c.3285+1G>A on transcript NM_000260.4 (MANE Select); the canonical splice donor site of the intron after coding-DNA position 3285, G replaced by A.
Molecular consequence: splice donor variant.
Genome position (GRCh38, 1-based): chr11:77,182,601, G>A. VCF-style: chr11-77182601-G-A. GRCh37 (hg19) VCF-style: chr11-76893646-G-A.
Other names: c.3252+1G>A (NM_001369365.1); c.3285+1G>A (NM_001127180.2).
Identifiers: ClinVar variation 2987768 (VCV002987768.4), dbSNP rs1555085610, ClinGen allele CA381945204.
Genomic context (GRCh38, chr11:77,182,601, plus strand): 5'-GAGACCCTGGGCAAGAAGACGTACAAGAGGGAGCTGCAGGCCCTGCAGGGCGAGGGCGAG[G>A]TGAGGCCAAGGTGCCCTCTGGATGATGTCCCTCCCAGGCCGACAAGGAGGGCCGCTGGCA-3'

ClinVar aggregate classification (germline): Likely pathogenic. Review status: criteria provided, multiple submitters, no conflicts (2 of 4 stars). 2 submissions from 2 submitters: Likely pathogenic (2). Last evaluated 2024-01-10.

Allele frequency attached by ClinVar (database versions not stated): gnomAD exomes below 0.00001.
gnomAD v4.1: 1 of 1,612,840 alleles (0.000062%); highest among the groups gnomAD compares: South Asian, 0.0011%; no homozygotes.

Submissions (2):

GeneDx
Classification: Likely pathogenic. Last evaluated: 2024-01-10. Review status: criteria provided, single submitter. Criteria: GeneDx Variant Classification Process June 2021. Collection method: clinical testing. Allele origin: germline. Affected: yes.
Comment: Reported previously in unaffected carrier(s); however, no further information was provided (PMID: 31964843); Canonical splice site variant predicted to result in an in-frame loss of the adjacent exon in a gene for which loss of function is a known mechanism of disease; Not observed at significant frequency in large population cohorts (gnomAD); This variant is associated with the following publications: (PMID: 31964843)

Labcorp Genetics (formerly Invitae), Labcorp
Classification: Likely pathogenic. Last evaluated: 2022-11-10. Review status: criteria provided, single submitter. Criteria: Invitae Variant Classification Sherloc (09022015). Collection method: clinical testing. Allele origin: germline.
Comment: This sequence change affects a donor splice site in intron 25 of the MYO7A gene. It is expected to disrupt RNA splicing. Variants that disrupt the donor or acceptor splice site typically lead to a loss of protein function (PMID: 16199547), and loss-of-function variants in MYO7A are known to be pathogenic (PMID: 8900236, 25404053). This variant is present in population databases (no rsID available, gnomAD 0.003%). This variant has not been reported in the literature in individuals affected with MYO7A-related conditions. Algorithms developed to predict the effect of sequence changes on RNA splicing suggest that this variant may disrupt the consensus splice site. In summary, the currently available evidence indicates that the variant is pathogenic, but additional data are needed to prove that conclusively. Therefore, this variant has been classified as Likely Pathogenic.

Literature cited by the submitters: PubMed 16199547 (cited by Labcorp Genetics (formerly Invitae), Labcorp); PubMed 8900236 (cited by Labcorp Genetics (formerly Invitae), Labcorp); PubMed 25404053 (cited by Labcorp Genetics (formerly Invitae), Labcorp).